The following is an entry in ClinVar:

ClinVar aggregate classification (germline): Likely pathogenic (1 of 4 stars; one submission).

Submission:

CeGaT Center for Human Genetics Tuebingen
Classification: Likely pathogenic. Last evaluated: 2022-03-01. Review status: criteria provided, single submitter. Criteria: CeGaT Center For Human Genetics Tuebingen Variant Classification Criteria Version 2. Collection method: clinical testing. Allele origin: germline. Affected: yes. Observed: 1 variant allele.
Comment: SMC3: PM2, PS2:Moderate, PP2, PP3

NM_005445.4(SMC3):c.1155T>A (p.Phe385Leu)

Gene: SMC3 (structural maintenance of chromosomes 3; plus strand). Cytogenetic location: 10q25.2.
Variant type: single nucleotide variant.
Coding change: c.1155T>A on transcript NM_005445.4 (MANE Select); coding-DNA position 1155, T replaced by A.
Protein change: p.Phe385Leu; replaces phenylalanine 385 with leucine.
Molecular consequence: missense variant.
Genome position (GRCh38, 1-based): chr10:110,584,246, T>A. VCF-style: chr10-110584246-T-A. GRCh37 (hg19) VCF-style: chr10-112344004-T-A.
Other names: short protein forms F385L.
Identifiers: ClinVar variation 1675435 (VCV001675435.33), dbSNP rs1016969600, ClinGen allele CA378383297.